The following is an entry in ClinVar:

ClinVar aggregate classification (germline): Conflicting classifications of pathogenicity. Review status: criteria provided, conflicting classifications (1 of 4 stars). 15 submissions from 10 submitters: Uncertain significance (1); Benign (6); Likely benign (7). 1 of the submissions does not count toward it. Last evaluated 2026-01-12.

Conditions:
Charcot-Marie-Tooth disease. Also called: Charcot-Marie-Tooth Hereditary Neuropathy; Charcot-Marie-Tooth Neuropathy. Identifiers: Orphanet 166, MedGen C0007959, MONDO:0015626.
TRPV4-related disorder. Also called: TRPV4-related condition; TRPV4-related disorders.
Brachyrachia (short spine dysplasia) (BCYM3). Also called: Brachyolmia, TRPV4-Related; Brachyolmia Type 3; BRACHYRACHIA; Autosomal dominant brachyolmia. Identifiers: Orphanet 93304, MedGen C0432227, MONDO:0007232, OMIM 113500.
Scapuloperoneal spinal muscular atrophy (SPSMA). Also called: Scapuloperoneal Spinal Muscular Atrophy, TRPV4-Related; AMYOTROPHY, NEUROGENIC SCAPULOPERONEAL, NEW ENGLAND TYPE; Scapuloperoneal Form of Spinal Muscular Atrophy; Scapuloperoneal spinal muscular atrophy, autosomal dominant. Identifiers: Orphanet 431255, MedGen C0751335, MONDO:0008408, OMIM 181405.
Metatropic dysplasia (MTD). Also called: Metatropic Dysplasia, TRPV4-Related; Metatropic dysplasia, nonlethal dominant; METATROPIC DWARFISM. Identifiers: Orphanet 2635, MedGen C0265281, MONDO:0007986, OMIM 156530.
Spondylometaphyseal dysplasia, Kozlowski type (SMDK). Also called: Spondylometaphyseal Dysplasia, TRPV4-Related (Kozlowski Type); Dysmorphism arthrogryposis skeletal maturation advanced; Jequier-Kozlowski syndrome; Skeletal dysplasia Jequier-Kozlowski type; SMD Kozlowski type. Identifiers: Orphanet 93314, MedGen C0265280, MONDO:0008477, OMIM 184252.
Charcot-Marie-Tooth disease axonal type 2C (HMSN2C). Also called: Charcot-Marie-Tooth Disease Type 2, TRPV4-Related (CMT2C); CHARCOT-MARIE-TOOTH DISEASE, AXONAL, AUTOSOMAL DOMINANT, TYPE 2C; Charcot-Marie-Tooth Neuropathy Type 2C. Identifiers: Orphanet 99937, MedGen C1853710, MONDO:0011633, OMIM 606071.
Neuronopathy, distal hereditary motor, autosomal dominant 8. Also called: SPINAL MUSCULAR ATROPHY, CONGENITAL BENIGN, WITH CONTRACTURES; NEURONOPATHY, DISTAL HEREDITARY MOTOR, TYPE VIII; NEUROPATHY, DISTAL HEREDITARY MOTOR, TYPE VIII; Autosomal dominant congenital benign spinal muscular atrophy. Identifiers: Orphanet 1216, MedGen C1838492, MONDO:0010839, OMIM 600175.

Allele frequency attached by ClinVar (database versions not stated): TOPMed 0.00030; 1000 Genomes Project 0.00020; 1000 Genomes Project 30x 0.00031; ESP Exome Variant Server 0.00038; gnomAD 0.00041.
gnomAD v4.1: 675 of 1,610,956 alleles (0.042%); highest among the groups gnomAD compares: Non-Finnish European, 0.054%; no homozygotes.

Submissions (15):

Labcorp Genetics (formerly Invitae), Labcorp
Classification: Likely benign for Charcot-Marie-Tooth disease axonal type 2C. Last evaluated: 2026-01-12. Review status: criteria provided, single submitter. Criteria: Invitae Variant Classification Sherloc (09022015). Collection method: clinical testing. Allele origin: germline.

Blueprint Genetics
Classification: Likely benign. Last evaluated: 2024-11-25. Review status: criteria provided, single submitter. Criteria: ACMG Guidelines, 2015. Collection method: clinical testing. Allele origin: germline.

Mayo Clinic Laboratories, Mayo Clinic
Classification: Likely benign. Last evaluated: 2024-09-25. Review status: criteria provided, single submitter. Criteria: ACMG Guidelines, 2015. Collection method: clinical testing. Allele origin: germline. Observed: 1 variant allele.
Comment: BP4, BP7

ARUP Laboratories, Molecular Genetics and Genomics, ARUP Laboratories
Classification: Likely benign. Last evaluated: 2023-08-23. Review status: criteria provided, single submitter. Criteria: ARUP Molecular Germline Variant Investigation Process 2024. Collection method: clinical testing. Allele origin: germline.

GeneDx
Classification: Likely benign. Last evaluated: 2018-02-07. Review status: criteria provided, single submitter. Criteria: GeneDx Variant Classification (06012015). Collection method: clinical testing. Allele origin: germline. Affected: yes.
Comment: This variant is considered likely benign or benign based on one or more of the following criteria: it is a conservative change, it occurs at a poorly conserved position in the protein, it is predicted to be benign by multiple in silico algorithms, and/or has population frequency not consistent with disease.

Illumina Laboratory Services, Illumina
Classification: Likely benign for Charcot-Marie-Tooth disease axonal type 2C. Last evaluated: 2018-01-12. Review status: criteria provided, single submitter. Criteria: ICSL Variant Classification Criteria 13 December 2019. Collection method: clinical testing. Allele origin: germline.
Comment: This variant was observed in the ICSL laboratory as part of a predisposition screen in an ostensibly healthy population. It had not been previously curated by ICSL or reported in the Human Gene Mutation Database (HGMD: prior to June 1st, 2018), and was therefore a candidate for classification through an automated scoring system. Utilizing variant allele frequency, disease prevalence and penetrance estimates, and inheritance mode, an automated score was calculated to assess if this variant is too frequent to cause the disease. Based on the score and internal cut-off values, a variant classified as likely benign is not then subjected to further curation. The score for this variant resulted in a classification of likely benign for this disease.

Illumina Laboratory Services, Illumina
Classification: Benign for Spondylometaphyseal dysplasia, Kozlowski type. Last evaluated: 2018-01-12. Review status: criteria provided, single submitter. Criteria: ICSL Variant Classification Criteria 13 December 2019. Collection method: clinical testing. Allele origin: germline.
Comment: This variant was observed in the ICSL laboratory as part of a predisposition screen in an ostensibly healthy population. It had not been previously curated by ICSL or reported in the Human Gene Mutation Database (HGMD: prior to June 1st, 2018), and was therefore a candidate for classification through an automated scoring system. Utilizing variant allele frequency, disease prevalence and penetrance estimates, and inheritance mode, an automated score was calculated to assess if this variant is too frequent to cause the disease. Based on the score and internal cut-off values, a variant classified as benign is not then subjected to further curation. The score for this variant resulted in a classification of benign for this disease.

Illumina Laboratory Services, Illumina
Classification: Benign for Scapuloperoneal spinal muscular atrophy. Last evaluated: 2018-01-12. Review status: criteria provided, single submitter. Criteria: ICSL Variant Classification Criteria 13 December 2019. Collection method: clinical testing. Allele origin: germline.
Comment: the same text as in the submission from Illumina Laboratory Services, Illumina above.

Illumina Laboratory Services, Illumina
Classification: Benign for Brachyrachia (short spine dysplasia). Last evaluated: 2018-01-12. Review status: criteria provided, single submitter. Criteria: ICSL Variant Classification Criteria 13 December 2019. Collection method: clinical testing. Allele origin: germline.
Comment: the same text as in the submission from Illumina Laboratory Services, Illumina above.

Illumina Laboratory Services, Illumina
Classification: Benign for Neuronopathy, distal hereditary motor, autosomal dominant 8. Last evaluated: 2018-01-12. Review status: criteria provided, single submitter. Criteria: ICSL Variant Classification Criteria 13 December 2019. Collection method: clinical testing. Allele origin: germline.
Comment: the same text as in the submission from Illumina Laboratory Services, Illumina above.

Illumina Laboratory Services, Illumina
Classification: Benign for Metatropic dysplasia. Last evaluated: 2018-01-12. Review status: criteria provided, single submitter. Criteria: ICSL Variant Classification Criteria 13 December 2019. Collection method: clinical testing. Allele origin: germline.
Comment: the same text as in the submission from Illumina Laboratory Services, Illumina above.

Athena Diagnostics
Classification: Benign. Last evaluated: 2017-02-20. Review status: criteria provided, single submitter. Criteria: Athena Diagnostics Criteria. Collection method: clinical testing. Allele origin: germline.

Eurofins Ntd Llc (ga)
Classification: Uncertain significance. Last evaluated: 2016-05-27. Review status: criteria provided, single submitter. Criteria: EGL Classification Definitions 2015. Collection method: clinical testing. Allele origin: germline. Observed: 2 variant alleles, 2 heterozygotes.

Molecular Genetics Laboratory, London Health Sciences Centre
Classification: Likely benign for Charcot-Marie-Tooth disease. Review status: criteria provided, single submitter. Criteria: ACMG Guidelines, 2015. Collection method: clinical testing. Allele origin: germline. Affected: yes.

PreventionGenetics, part of Exact Sciences
Classification: Likely benign for TRPV4-related condition. Last evaluated: 2019-09-06. Review status: no assertion criteria provided. Collection method: clinical testing. Allele origin: germline. Not counted in ClinVar's aggregate classification.
Comment: This variant is classified as likely benign based on ACMG/AMP sequence variant interpretation guidelines (Richards et al. 2015 PMID: 25741868, with internal and published modifications).

NM_021625.5(TRPV4):c.1491+10C>T

Gene: TRPV4 (transient receptor potential cation channel subfamily V member 4; minus strand). Cytogenetic location: 12q24.11.
Variant type: single nucleotide variant.
Coding change: c.1491+10C>T on transcript NM_021625.5 (MANE Select); 10 bases into the intron after coding-DNA position 1491, C replaced by T.
Molecular consequence: intron variant.
Genome position (GRCh38, 1-based): chr12:109,794,319, G>A on the plus strand (C>T on the coding strand, the complement: TRPV4 is on the minus strand). VCF-style: chr12-109794319-G-A. GRCh37 (hg19) VCF-style: chr12-110232124-G-A.
Other names: p.?; c.1170+10C>T (NM_001177433.1); c.1350+10C>T (NM_001177428.1); c.1311+10C>T (NM_147204.2); c.1389+10C>T (NM_001177431.1).
Identifiers: ClinVar variation 282949 (VCV000282949.25), dbSNP rs201815805, ClinGen allele CA6780225.
Genomic context (GRCh38, chr12:109,794,319, plus strand): 5'-GTTGTGCCCCAGTCCTGCATGGCTCAGCCCAGTGCCTGCCCCAGCCCCTGCCCGGTCCCC[G>A]GGCACTCACTGTGCCCTCCAGCGGCTGGTAGTAGGCGGTGAGAGTGAAGATGACCATGGC-3'